The following is an entry in ClinVar:

NM_006766.5(KAT6A):c.2775G>C (p.Glu925Asp)

Gene: KAT6A (lysine acetyltransferase 6A; minus strand). Cytogenetic location: 8p11.21.
Variant type: single nucleotide variant.
Coding change: c.2775G>C on transcript NM_006766.5 (MANE Select); coding-DNA position 2775, G replaced by C.
Protein change: p.Glu925Asp; replaces glutamic acid 925 with aspartic acid.
Molecular consequence: missense variant.
Genome position (GRCh38, 1-based): chr8:41,941,106, C>G on the plus strand (G>C on the coding strand, the complement: KAT6A is on the minus strand). VCF-style: chr8-41941106-C-G. GRCh37 (hg19) VCF-style: chr8-41798624-C-G.
Other names: short protein forms E925D.
Identifiers: ClinVar variation 2694608 (VCV002694608.3), dbSNP rs2486771270, ClinGen allele CA371071686.

ClinVar aggregate classification (germline): Uncertain significance (1 of 4 stars; one submission).

Submission:

Labcorp Genetics (formerly Invitae), Labcorp
Classification: Uncertain significance. Last evaluated: 2023-11-18. Review status: criteria provided, single submitter. Criteria: Invitae Variant Classification Sherloc (09022015). Collection method: clinical testing. Allele origin: germline.
Comment: This sequence change replaces glutamic acid, which is acidic and polar, with aspartic acid, which is acidic and polar, at codon 925 of the KAT6A protein (p.Glu925Asp). This variant is not present in population databases (gnomAD no frequency). This variant has not been reported in the literature in individuals affected with KAT6A-related conditions. An algorithm developed to predict the effect of missense changes on protein structure and function (PolyPhen-2) suggests that this variant is likely to be tolerated. In summary, the available evidence is currently insufficient to determine the role of this variant in disease. Therefore, it has been classified as a Variant of Uncertain Significance.